The following is an entry in ClinVar:

ClinVar aggregate classification (germline): Benign. Review status: criteria provided, multiple submitters, no conflicts (2 of 4 stars). 10 submissions from 10 submitters: Benign (8). 2 of the submissions do not count toward it. Last evaluated 2026-02-04.

Conditions:
Fructose-biphosphatase deficiency (FBP1D). Also called: Fructose-1,6-Bisphosphatase 1 Deficiency; Fructose 1,6 Bisphosphatase Deficiency; Fructose-1,6-Diphosphatase Deficiency. Identifiers: Orphanet 348, MedGen C0016756, MONDO:0009251, OMIM 229700.

Allele frequency attached by ClinVar (database versions not stated): gnomAD exomes 0.93801 and 0.95633; ESP Exome Variant Server 0.95441; ExAC 0.95607; gnomAD 0.95944 and 0.95972; TOPMed 0.96215; 1000 Genomes Project 30x 0.97533; 1000 Genomes Project 0.97644.
gnomAD v4.1: 1,517,590 of 1,613,876 alleles (94%); highest among the groups gnomAD compares: East Asian, 100%; 713,898 homozygotes.

Submissions (10):

Labcorp Genetics (formerly Invitae), Labcorp
Classification: Benign for Fructose-biphosphatase deficiency. Last evaluated: 2026-02-04. Review status: criteria provided, single submitter. Criteria: Invitae Variant Classification Sherloc (09022015). Collection method: clinical testing. Allele origin: germline.

Blueprint Genetics
Classification: Benign. Last evaluated: 2024-11-27. Review status: criteria provided, single submitter. Criteria: ACMG Guidelines, 2015. Collection method: clinical testing. Allele origin: germline.

Mayo Clinic Laboratories, Mayo Clinic
Classification: Benign. Last evaluated: 2022-05-05. Review status: criteria provided, single submitter. Criteria: ACMG Guidelines, 2015. Collection method: clinical testing. Allele origin: germline. Observed: 996 variant alleles.

Genome-Nilou Lab
Classification: Benign for Fructose-biphosphatase deficiency. Last evaluated: 2021-08-10. Review status: criteria provided, single submitter. Criteria: ACMG Guidelines, 2015. Collection method: clinical testing. Allele origin: germline. Affected: no.

Illumina Laboratory Services, Illumina
Classification: Benign for Fructose-biphosphatase deficiency. Last evaluated: 2018-01-12. Review status: criteria provided, single submitter. Criteria: ICSL Variant Classification Criteria 13 December 2019. Collection method: clinical testing. Allele origin: germline.
Comment: This variant was observed in the ICSL laboratory as part of a predisposition screen in an ostensibly healthy population. It had not been previously curated by ICSL or reported in the Human Gene Mutation Database (HGMD: prior to June 1st, 2018), and was therefore a candidate for classification through an automated scoring system. Utilizing variant allele frequency, disease prevalence and penetrance estimates, and inheritance mode, an automated score was calculated to assess if this variant is too frequent to cause the disease. Based on the score and internal cut-off values, a variant classified as benign is not then subjected to further curation. The score for this variant resulted in a classification of benign for this disease.

GeneDx
Classification: Benign. Last evaluated: 2015-03-03. Review status: criteria provided, single submitter. Criteria: GeneDx Variant Classification Process June 2021. Collection method: clinical testing. Allele origin: germline. Affected: yes.

Breakthrough Genomics
Classification: Benign. Review status: criteria provided, single submitter. Criteria: ACMG Guidelines, 2015. Collection method: not provided. Allele origin: germline. Inheritance: Autosomal recessive inheritance. Affected: yes.

PreventionGenetics, part of Exact Sciences
Classification: Benign. Review status: criteria provided, single submitter. Criteria: ACMG Guidelines, 2015. Collection method: clinical testing. Allele origin: germline.

Diagnostic Laboratory, Department of Genetics, University Medical Center Groningen
Classification: Benign. Review status: no assertion criteria provided. Collection method: clinical testing. Allele origin: germline. Affected: yes. Study: VKGL Data-share Consensus. Not counted in ClinVar's aggregate classification.

Joint Genome Diagnostic Labs from Nijmegen and Maastricht, Radboudumc and MUMC+
Classification: Benign. Review status: no assertion criteria provided. Collection method: clinical testing. Allele origin: germline. Affected: yes. Study: VKGL Data-share Consensus. Not counted in ClinVar's aggregate classification.

NM_000507.4(FBP1):c.653G>A (p.Arg218Lys)

Gene: FBP1 (fructose-bisphosphatase 1; minus strand). Cytogenetic location: 9q22.32.
Variant type: single nucleotide variant.
Coding change: c.653G>A on transcript NM_000507.4 (MANE Select); coding-DNA position 653, G replaced by A.
Protein change: p.Arg218Lys; replaces arginine 218 with lysine.
Molecular consequence: missense variant.
Genome position (GRCh38, 1-based): chr9:94,606,867, C>T on the plus strand (G>A on the coding strand, the complement: FBP1 is on the minus strand). VCF-style: chr9-94606867-C-T. GRCh37 (hg19) VCF-style: chr9-97369149-C-T.
Other names: c.653G>A, p.Arg218Lys (NM_001127628.2); short protein forms R218K.
Identifiers: ClinVar variation 256323 (VCV000256323.25), dbSNP rs1769259, ClinGen allele CA5136172.